The following is an entry in ClinVar:

ClinVar aggregate classification (germline): Likely benign. Review status: criteria provided, multiple submitters, no conflicts (2 of 4 stars). 3 submissions from 3 submitters: Likely benign (3). Last evaluated 2025-04-01.

gnomAD v4.1: 3 of 1,544,140 alleles (0.00019%); highest among the groups gnomAD compares: Non-Finnish European, 0.000087%; no homozygotes.

Submissions (3):

CeGaT Center for Human Genetics Tuebingen
Classification: Likely benign. Last evaluated: 2025-04-01. Review status: criteria provided, single submitter. Criteria: CeGaT Center For Human Genetics Tuebingen Variant Classification Criteria Version 2. Collection method: clinical testing. Allele origin: germline. Affected: yes. Observed: 2 variant alleles.
Comment: ARID1B: BP4, BP7

Labcorp Genetics (formerly Invitae), Labcorp
Classification: Likely benign. Last evaluated: 2024-07-22. Review status: criteria provided, single submitter. Criteria: Invitae Variant Classification Sherloc (09022015). Collection method: clinical testing. Allele origin: germline.

Blueprint Genetics
Classification: Likely benign. Last evaluated: 2024-03-05. Review status: criteria provided, single submitter. Criteria: ACMG Guidelines, 2015. Collection method: clinical testing. Allele origin: germline.

NM_001374828.1(ARID1B):c.621G>A (p.Gln207=)

Genes: ARID1B (AT-rich interaction domain 1B; plus strand), LOC115308161 (uncharacterized LOC115308161; minus strand). Cytogenetic location: 6q25.3.
Variant type: single nucleotide variant.
Coding change: c.621G>A on transcript NM_001374828.1 (MANE Select); coding-DNA position 621, G replaced by A.
Protein change: p.Gln207=; no amino-acid change (glutamine 207 retained).
Molecular consequence: synonymous variant. On other transcripts: non-coding transcript variant (1).
Genome position (GRCh38, 1-based): chr6:156,778,301, G>A. VCF-style: chr6-156778301-G-A. GRCh37 (hg19) VCF-style: chr6-157099435-G-A.
Other names: c.372G>A, p.Gln124= (NM_001346813.1, NM_020732.3); c.621G>A, p.Gln207= (NM_001371656.1, NM_001374820.1, NM_017519.3); c.198G>A, p.Gln66= (NM_175863.2).
Identifiers: ClinVar variation 3067216 (VCV003067216.24), dbSNP rs1291761395, ClinGen allele CA452988979.